The following is an entry in ClinVar:

NM_025103.4(IFT74):c.1006T>C (p.Phe336Leu)

Gene: IFT74 (intraflagellar transport 74; plus strand). Cytogenetic location: 9p21.2.
Variant type: single nucleotide variant.
Coding change: c.1006T>C on transcript NM_025103.4 (MANE Select); coding-DNA position 1006, T replaced by C.
Protein change: p.Phe336Leu; replaces phenylalanine 336 with leucine.
Molecular consequence: missense variant.
Genome position (GRCh38, 1-based): chr9:27,029,056, T>C. VCF-style: chr9-27029056-T-C. GRCh37 (hg19) VCF-style: chr9-27029054-T-C.
Other names: c.1006T>C, p.Phe336Leu (NM_001099222.3, NM_001099223.3, NM_001099224.3 and 1 more transcripts); short protein forms F336L.
Identifiers: ClinVar variation 2063302 (VCV002063302.4), dbSNP rs374241230, ClinGen allele CA5015478.

ClinVar aggregate classification (germline): Uncertain significance (1 of 4 stars; one submission).

Allele frequency attached by ClinVar (database versions not stated): ExAC 0.00001; ESP Exome Variant Server 0.00009.

Submission:

Labcorp Genetics (formerly Invitae), Labcorp
Classification: Uncertain significance. Last evaluated: 2021-12-27. Review status: criteria provided, single submitter. Criteria: Invitae Variant Classification Sherloc (09022015). Collection method: clinical testing. Allele origin: germline.
Comment: In summary, the available evidence is currently insufficient to determine the role of this variant in disease. Therefore, it has been classified as a Variant of Uncertain Significance. Algorithms developed to predict the effect of missense changes on protein structure and function output the following: SIFT: "Tolerated"; PolyPhen-2: "Benign"; Align-GVGD: "Class C0". The leucine amino acid residue is found in multiple mammalian species, which suggests that this missense change does not adversely affect protein function. This variant has not been reported in the literature in individuals affected with IFT74-related conditions. This variant is present in population databases (rs374241230, gnomAD 0.007%). This sequence change replaces phenylalanine, which is neutral and non-polar, with leucine, which is neutral and non-polar, at codon 336 of the IFT74 protein (p.Phe336Leu).